The following is an entry in ClinVar:

NM_145045.5(ODAD3):c.1109_1113del (p.Glu370fs)

Gene: ODAD3 (outer dynein arm docking complex subunit 3; minus strand). Cytogenetic location: 19p13.2.
Variant type: Deletion.
Coding change: c.1109_1113del on transcript NM_145045.5 (MANE Select); coding-DNA positions 1109 to 1113, 5 bases deleted (AGACG; older notation c.1109_1113delAGACG).
Protein change: p.Glu370fs; shifts the reading frame from glutamic acid 370.
Molecular consequence: frameshift variant.
Genome position (GRCh38, 1-based): chr19:11,423,880-11,423,884, CGTCT deleted on the plus strand (AGACG on the coding strand, the reverse complement: ODAD3 is on the minus strand); deleting any 5 consecutive bases within chr19:11,423,880-11,423,888 gives the same sequence; the c. name uses the placement nearest the transcript's 3' end. VCF-style (leftmost placement, unchanged base first): chr19-11423879-GCGTCT-G. GRCh37 (hg19) VCF-style: chr19-11534548-GCGTCT-G.
Other names: c.947_951del, p.Glu316fs (NM_001302453.1); c.929_933del, p.Glu310fs (NM_001302454.2); short protein forms E310fs, E316fs, E370fs.
Identifiers: ClinVar variation 2631363 (VCV002631363.3), dbSNP rs2512473911, ClinGen allele CA2695198125.
Genomic context (GRCh38, chr19:11,423,879, plus strand): 5'-TGGGGCCCGTCTGGGGTGGGGGGGGGGCGCGGCGGAGAGGGCTGCGGGCAGAACTCACGT[GCGTCT>G]CGTCAGTGCCAGTGGCGTCCTTGACCTTGCCAAAGATCACCTCCATCTGGTACATGCTCC-3'

ClinVar aggregate classification (germline): Likely pathogenic (0 of 4 stars; one submission).

Conditions:
ODAD3-related disorder. Also called: ODAD3-related condition.

Submission:

PreventionGenetics, part of Exact Sciences
Classification: Likely pathogenic for ODAD3-related condition. Last evaluated: 2024-01-25. Review status: no assertion criteria provided. Collection method: clinical testing. Allele origin: germline.
Comment: The ODAD3 c.1109_1113del5 variant is predicted to result in a frameshift and premature protein termination (p.Glu370Alafs*123). To our knowledge, this variant has not been reported in the literature or in a large population database, indicating it is rare. Frameshift variants in ODAD3 are expected to be pathogenic. This variant is interpreted as likely pathogenic.